The following is an entry in ClinVar:

NM_007289.4(MME):c.1183C>T (p.Arg395Cys)

Gene: MME (membrane metalloendopeptidase; plus strand). Cytogenetic location: 3q25.2.
Variant type: single nucleotide variant.
Coding change: c.1183C>T on transcript NM_007289.4 (MANE Select); coding-DNA position 1183, C replaced by T.
Protein change: p.Arg395Cys; replaces arginine 395 with cysteine.
Molecular consequence: missense variant.
Genome position (GRCh38, 1-based): chr3:155,142,325, C>T. VCF-style: chr3-155142325-C-T. GRCh37 (hg19) VCF-style: chr3-154860114-C-T.
Other names: c.1183C>T, p.Arg395Cys (NM_000902.5, NM_001354642.2, NM_001354643.1 and 2 more transcripts); short protein forms R395C.
Identifiers: ClinVar variation 1420972 (VCV001420972.9), dbSNP rs201459271, ClinGen allele CA2675408.

ClinVar aggregate classification (germline): Uncertain significance/VUS-high. Review status: criteria provided, multiple submitters, no conflicts (2 of 4 stars). 3 submissions from 3 submitters: Uncertain significance (2); VUS-high (1). Last evaluated 2026-01-31.

Conditions:
Charcot-Marie-Tooth disease axonal type 2T. Identifiers: Orphanet 443950, MedGen C4015635, OMIM 617017, MONDO:0014866.

Allele frequency attached by ClinVar (database versions not stated): gnomAD exomes below 0.00001 and 0.00001; TOPMed 0.00001; ExAC 0.00002; ESP Exome Variant Server 0.00008.
gnomAD v4.1: 11 of 1,612,190 alleles (0.00068%); highest among the groups gnomAD compares: Middle Eastern, 0.017%; no homozygotes.

Submissions (3):

Genetic Diseases Diagnostic Center, Koc University Hospital
Classification: VUS-high for Charcot-Marie-Tooth disease axonal type 2T. Last evaluated: 2026-01-31. Review status: criteria provided, single submitter. Criteria: ACMG Guidelines, 2015. Collection method: clinical testing. Allele origin: paternal. Inheritance: Autosomal unknown. Affected: yes.
Comment: This variant causes an amino acid change at position 395 from Arg, which is a basic amino acid, to Cys which is a polar amino acid. In silico prediction tools predict deleterious effect of this variant (PP3), and it has an extremely low frequency in gnomAD population database (allele frequency: 0.000006823 on gnomAD gnomAD 4.1.0) (PM2). Thus, it is classified as variant of uncertain significance according to the ACMG/AMP criteria.

Labcorp Genetics (formerly Invitae), Labcorp
Classification: Uncertain significance. Last evaluated: 2024-12-16. Review status: criteria provided, single submitter. Criteria: Invitae Variant Classification Sherloc (09022015). Collection method: clinical testing. Allele origin: germline.
Comment: This sequence change replaces arginine, which is basic and polar, with cysteine, which is neutral and slightly polar, at codon 395 of the MME protein (p.Arg395Cys). This variant is present in population databases (rs201459271, gnomAD 0.003%). This variant has not been reported in the literature in individuals affected with MME-related conditions. ClinVar contains an entry for this variant (Variation ID: 1420972). Invitae Evidence Modeling of protein sequence and biophysical properties (such as structural, functional, and spatial information, amino acid conservation, physicochemical variation, residue mobility, and thermodynamic stability) indicates that this missense variant is not expected to disrupt MME protein function with a negative predictive value of 80%. In summary, the available evidence is currently insufficient to determine the role of this variant in disease. Therefore, it has been classified as a Variant of Uncertain Significance.

Blueprint Genetics
Classification: Uncertain significance. Last evaluated: 2024-10-25. Review status: criteria provided, single submitter. Criteria: ACMG Guidelines, 2015. Collection method: clinical testing. Allele origin: germline.